The following is an entry in ClinVar:

NM_001304359.2(MUC5AC):c.13719C>T (p.Pro4573=)

Gene: MUC5AC (mucin 5AC, oligomeric mucus/gel-forming; plus strand). Cytogenetic location: 11p15.5.
Variant type: single nucleotide variant.
Coding change: c.13719C>T on transcript NM_001304359.2 (MANE Select); coding-DNA position 13719, C replaced by T.
Protein change: p.Pro4573=; no amino-acid change (proline 4573 retained).
Molecular consequence: synonymous variant.
Genome position (GRCh38, 1-based): chr11:1,191,864, C>T. VCF-style: chr11-1191864-C-T. GRCh37 (hg19) VCF-style: chr11-1213089-C-T.
Identifiers: ClinVar variation 2641168 (VCV002641168.24), dbSNP rs371949490, ClinGen allele CA5802475.

ClinVar aggregate classification (germline): Likely benign (1 of 4 stars; one submission).

Allele frequency attached by ClinVar (database versions not stated): gnomAD 0.00006; gnomAD exomes 0.00007; ExAC 0.00019.
gnomAD v4.1: 54 of 759,132 alleles (0.0071%); highest among the groups gnomAD compares: Non-Finnish European, 0.012%; no homozygotes.

Submission:

CeGaT Center for Human Genetics Tuebingen
Classification: Likely benign. Last evaluated: 2023-09-01. Review status: criteria provided, single submitter. Criteria: CeGaT Center For Human Genetics Tuebingen Variant Classification Criteria Version 2. Collection method: clinical testing. Allele origin: germline. Affected: yes. Observed: 2 variant alleles.
Comment: MUC5AC: BP4, BP7